The following is an entry in ClinVar:

NM_002637.4(PHKA1):c.1663C>T (p.Arg555Trp)

Gene: PHKA1 (phosphorylase kinase regulatory subunit alpha 1; minus strand). Cytogenetic location: Xq13.1.
Variant type: single nucleotide variant.
Coding change: c.1663C>T on transcript NM_002637.4 (MANE Select); coding-DNA position 1663, C replaced by T.
Protein change: p.Arg555Trp; replaces arginine 555 with tryptophan.
Molecular consequence: missense variant.
Genome position (GRCh38, 1-based): chrX:72,635,206, G>A on the plus strand (C>T on the coding strand, the complement: PHKA1 is on the minus strand). VCF-style: chrX-72635206-G-A. GRCh37 (hg19) VCF-style: chrX-71855056-G-A.
Other names: c.1663C>T, p.Arg555Trp (NM_001122670.2, NM_001172436.2); short protein forms R555W.
Identifiers: ClinVar variation 1969476 (VCV001969476.5), dbSNP rs782648445, ClinGen allele CA10450838.

ClinVar aggregate classification (germline): Uncertain significance (1 of 4 stars; one submission).

Conditions:
Glycogen storage disease IXd (GSD9D). Also called: Muscle Phosphorylase Kinase Deficiency; GSD IXd. Identifiers: Orphanet 715, MedGen C1845151, MONDO:0010362, OMIM 300559.

Allele frequency attached by ClinVar (database versions not stated): TOPMed below 0.00001; gnomAD 0.00003; 1000 Genomes Project 0.00026; 1000 Genomes Project 30x 0.00042.
gnomAD v4.1: 9 of 1,209,729 alleles (0.00074%); highest among the groups gnomAD compares: Admixed American, 0.0066%; no homozygotes.

Submission:

Labcorp Genetics (formerly Invitae), Labcorp
Classification: Uncertain significance for Glycogen storage disease IXd. Last evaluated: 2022-08-03. Review status: criteria provided, single submitter. Criteria: Invitae Variant Classification Sherloc (09022015). Collection method: clinical testing. Allele origin: germline.
Comment: In summary, the available evidence is currently insufficient to determine the role of this variant in disease. Therefore, it has been classified as a Variant of Uncertain Significance. Algorithms developed to predict the effect of missense changes on protein structure and function are either unavailable or do not agree on the potential impact of this missense change (SIFT: "Deleterious"; PolyPhen-2: "Probably Damaging"; Align-GVGD: "Class C0"). This variant has not been reported in the literature in individuals affected with PHKA1-related conditions. The frequency data for this variant in the population databases is considered unreliable, as metrics indicate poor data quality at this position in the gnomAD database. This sequence change replaces arginine, which is basic and polar, with tryptophan, which is neutral and slightly polar, at codon 555 of the PHKA1 protein (p.Arg555Trp).